The following is an entry in ClinVar:

NM_031935.3(HMCN1):c.7873C>A (p.Leu2625Ile)

Gene: HMCN1 (hemicentin 1; plus strand). Cytogenetic location: 1q31.1.
Variant type: single nucleotide variant.
Coding change: c.7873C>A on transcript NM_031935.3 (MANE Select); coding-DNA position 7873, C replaced by A.
Protein change: p.Leu2625Ile; replaces leucine 2625 with isoleucine.
Molecular consequence: missense variant.
Genome position (GRCh38, 1-based): chr1:186,068,001, C>A. VCF-style: chr1-186068001-C-A. GRCh37 (hg19) VCF-style: chr1-186037133-C-A.
Other names: c.7873C>A (NM_031935.2); short protein forms L2625I.
Identifiers: ClinVar variation 2086375 (VCV002086375.5), dbSNP rs1446380231, ClinGen allele CA343908739.

ClinVar aggregate classification (germline): Uncertain significance. Review status: criteria provided, multiple submitters, no conflicts (2 of 4 stars). 2 submissions from 2 submitters: Uncertain significance (2). Last evaluated 2025-08-31.

Allele frequency attached by ClinVar (database versions not stated): gnomAD 0.00001; gnomAD exomes 0.00001; TOPMed 0.00001.
gnomAD v4.1: 5 of 1,612,598 alleles (0.00031%); highest among the groups gnomAD compares: Admixed American, 0.0083%; no homozygotes.

Submissions (2):

Labcorp Genetics (formerly Invitae), Labcorp
Classification: Uncertain significance. Last evaluated: 2025-08-31. Review status: criteria provided, single submitter. Criteria: Invitae Variant Classification Sherloc (09022015). Collection method: clinical testing. Allele origin: germline.
Comment: This sequence change replaces leucine, which is neutral and non-polar, with isoleucine, which is neutral and non-polar, at codon 2625 of the HMCN1 protein (p.Leu2625Ile). This variant is present in population databases (no rsID available, gnomAD 0.006%). This variant has not been reported in the literature in individuals affected with HMCN1-related conditions. ClinVar contains an entry for this variant (Variation ID: 2086375). An algorithm developed to predict the effect of missense changes on protein structure and function (PolyPhen-2) suggests that this variant is likely to be tolerated. In summary, the available evidence is currently insufficient to determine the role of this variant in disease. Therefore, it has been classified as a Variant of Uncertain Significance.

Ambry Genetics
Classification: Uncertain significance. Last evaluated: 2024-11-22. Review status: criteria provided, single submitter. Criteria: Ambry Variant Classification Scheme 2023. Collection method: clinical testing. Allele origin: germline.